The following is an entry in ClinVar:

NM_001408.3(CELSR2):c.4706C>T (p.Pro1569Leu)

Gene: CELSR2 (cadherin EGF LAG seven-pass G-type receptor 2; plus strand). Cytogenetic location: 1p13.3.
Variant type: single nucleotide variant.
Coding change: c.4706C>T on transcript NM_001408.3 (MANE Select); coding-DNA position 4706, C replaced by T.
Protein change: p.Pro1569Leu; replaces proline 1569 with leucine.
Molecular consequence: missense variant.
Genome position (GRCh38, 1-based): chr1:109,262,967, C>T. VCF-style: chr1-109262967-C-T. GRCh37 (hg19) VCF-style: chr1-109805589-C-T.
Other names: short protein forms P1569L.
Identifiers: ClinVar variation 4740845 (VCV004740845.1).

ClinVar aggregate classification (germline): Uncertain significance (1 of 4 stars; one submission).

Submission:

Labcorp Genetics (formerly Invitae), Labcorp
Classification: Uncertain significance. Last evaluated: 2025-11-07. Review status: criteria provided, single submitter. Criteria: Invitae Variant Classification Sherloc (09022015). Collection method: clinical testing. Allele origin: germline.
Comment: This sequence change replaces proline, which is neutral and non-polar, with leucine, which is neutral and non-polar, at codon 1569 of the CELSR2 protein (p.Pro1569Leu). This variant is present in population databases (rs150808343, gnomAD 0.005%). This variant has not been reported in the literature in individuals affected with CELSR2-related conditions. An algorithm developed to predict the effect of missense changes on protein structure and function (PolyPhen-2) suggests that this variant is likely to be tolerated. In summary, the available evidence is currently insufficient to determine the role of this variant in disease. Therefore, it has been classified as a Variant of Uncertain Significance.